The following is an entry in ClinVar:

ClinVar aggregate classification (germline): Uncertain significance. Review status: criteria provided, multiple submitters, no conflicts (2 of 4 stars). 2 submissions from 2 submitters: Uncertain significance (2). Last evaluated 2024-12-05.

Conditions:
Inborn genetic diseases. Identifiers: MedGen C0950123, MeSH D030342.

gnomAD v4.1: 2 of 1,604,886 alleles (0.00012%); highest among the groups gnomAD compares: African/African-American, 0.0027%; no homozygotes.

Submissions (2):

Ambry Genetics
Classification: Uncertain significance for Inborn genetic diseases. Last evaluated: 2024-12-05. Review status: criteria provided, single submitter. Criteria: Ambry Variant Classification Scheme 2023. Collection method: clinical testing. Allele origin: germline.

Labcorp Genetics (formerly Invitae), Labcorp
Classification: Uncertain significance. Last evaluated: 2024-06-02. Review status: criteria provided, single submitter. Criteria: Invitae Variant Classification Sherloc (09022015). Collection method: clinical testing. Allele origin: germline.
Comment: This sequence change replaces glycine, which is neutral and non-polar, with serine, which is neutral and polar, at codon 275 of the TCF3 protein (p.Gly275Ser). This variant is not present in population databases (gnomAD no frequency). This variant has not been reported in the literature in individuals affected with TCF3-related conditions. Algorithms developed to predict the effect of missense changes on protein structure and function output the following: SIFT: "Not Available"; PolyPhen-2: "Benign"; Align-GVGD: "Not Available". The serine amino acid residue is found in multiple mammalian species, which suggests that this missense change does not adversely affect protein function. In summary, the available evidence is currently insufficient to determine the role of this variant in disease. Therefore, it has been classified as a Variant of Uncertain Significance.

NM_003200.5(TCF3):c.823G>A (p.Gly275Ser)

Gene: TCF3 (transcription factor 3; minus strand). Cytogenetic location: 19p13.3.
Variant type: single nucleotide variant.
Coding change: c.823G>A on transcript NM_003200.5 (MANE Select); coding-DNA position 823, G replaced by A.
Protein change: p.Gly275Ser; replaces glycine 275 with serine.
Molecular consequence: missense variant.
Genome position (GRCh38, 1-based): chr19:1,621,970, C>T on the plus strand (G>A on the coding strand, the complement: TCF3 is on the minus strand). VCF-style: chr19-1621970-C-T. GRCh37 (hg19) VCF-style: chr19-1621969-C-T.
Other names: c.823G>A, p.Gly275Ser (NM_001136139.4, NM_001351778.2, NM_001351779.2); short protein forms G275S.
Identifiers: ClinVar variation 3454143 (VCV003454143.3).